The following is an entry in ClinVar:

NM_000492.4(CFTR):c.53+1G>C

Gene: CFTR (CF transmembrane conductance regulator; plus strand). Cytogenetic location: 7q31.2.
Variant type: single nucleotide variant.
Coding change: c.53+1G>C on transcript NM_000492.4 (MANE Select); the canonical splice donor site of the intron after coding-DNA position 53, G replaced by C.
Molecular consequence: splice donor variant.
Genome position (GRCh38, 1-based): chr7:117,480,148, G>C. VCF-style: chr7-117480148-G-C. GRCh37 (hg19) VCF-style: chr7-117120202-G-C.
Identifiers: ClinVar variation 3241145 (VCV003241145.3), dbSNP rs397508746.

ClinVar aggregate classification (germline): Pathogenic/Likely pathogenic. Review status: criteria provided, multiple submitters, no conflicts (2 of 4 stars). 3 submissions from 3 submitters: Pathogenic (1); Likely pathogenic (2). Last evaluated 2025-08-02.

Conditions:
Bronchiectasis with or without elevated sweat chloride 1 (BESC1). Also called: Cystic Fibrosis-Like Syndrome. Identifiers: Orphanet 60033, MedGen C2749757, MONDO:0008887, OMIM 211400.
Hereditary pancreatitis (PCTT). Also called: Hereditary chronic pancreatitis; PRSS1-Related Hereditary Pancreatitis. Identifiers: Orphanet 676, MedGen C0238339, MONDO:0008185, OMIM 167800.
Cystic fibrosis (CF). Also called: MUCOVISCIDOSIS. Identifiers: Orphanet 586, MedGen C0010674, MONDO:0009061, OMIM 219700. Disease mechanism: loss of function.
Congenital bilateral aplasia of vas deferens from CFTR mutation (CBAVD). Identifiers: Orphanet 48, MedGen C0403814, MONDO:0010178, OMIM 277180. Disease mechanism: loss of function.

Submissions (3):

GeneDx
Classification: Pathogenic. Last evaluated: 2025-08-02. Review status: criteria provided, single submitter. Criteria: GeneDx Variant Classification Process June 2021. Collection method: clinical testing. Allele origin: germline. Affected: yes.
Comment: Identified in patient with cystic fibrosis, however detailed clinical and segregation data were not provided (PMID: 27625827); Canonical splice site variant predicted to result in a null allele in a gene for which loss of function is a known mechanism of disease; Not observed at significant frequency in large population cohorts (gnomAD); This variant is associated with the following publications: (PMID: 27625827, 32429104, 28356823, 31126253)

Fulgent Genetics
Classification: Likely pathogenic for Hereditary pancreatitis; Bronchiectasis with or without elevated sweat chloride 1; Cystic fibrosis; Congenital bilateral aplasia of vas deferens from CFTR mutation. Last evaluated: 2024-06-07. Review status: criteria provided, single submitter. Criteria: ACMG Guidelines, 2015. Collection method: clinical testing. Allele origin: germline.

Baylor Genetics
Classification: Likely pathogenic for Bronchiectasis with or without elevated sweat chloride 1. Last evaluated: 2023-12-02. Review status: criteria provided, single submitter. Criteria: ACMG Guidelines, 2015. Collection method: clinical testing. Allele origin: unknown.